The following is an entry in ClinVar:

ClinVar aggregate classification (germline): Uncertain significance. Review status: criteria provided, multiple submitters, no conflicts (2 of 4 stars). 2 submissions from 2 submitters: Uncertain significance (2). Last evaluated 2025-05-19.

Allele frequency attached by ClinVar (database versions not stated): TOPMed below 0.00001; gnomAD exomes 0.00001; ESP Exome Variant Server 0.00008.
gnomAD v4.1: 7 of 1,613,820 alleles (0.00043%); highest among the groups gnomAD compares: Non-Finnish European, 0.00059%; no homozygotes.

Submissions (2):

Labcorp Genetics (formerly Invitae), Labcorp
Classification: Uncertain significance. Last evaluated: 2025-05-19. Review status: criteria provided, single submitter. Criteria: Invitae Variant Classification Sherloc (09022015). Collection method: clinical testing. Allele origin: germline.
Comment: This sequence change replaces aspartic acid, which is acidic and polar, with asparagine, which is neutral and polar, at codon 1778 of the DSCAML1 protein (p.Asp1778Asn). This variant is not present in population databases (gnomAD no frequency). This variant has not been reported in the literature in individuals affected with DSCAML1-related conditions. ClinVar contains an entry for this variant (Variation ID: 2256257). An algorithm developed to predict the effect of missense changes on protein structure and function (PolyPhen-2) suggests that this variant is likely to be disruptive. In summary, the available evidence is currently insufficient to determine the role of this variant in disease. Therefore, it has been classified as a Variant of Uncertain Significance.

Ambry Genetics
Classification: Uncertain significance. Last evaluated: 2021-10-21. Review status: criteria provided, single submitter. Criteria: Ambry Variant Classification Scheme 2023. Collection method: clinical testing. Allele origin: germline.

NM_020693.4(DSCAML1):c.5152G>A (p.Asp1718Asn)

Gene: DSCAML1 (DS cell adhesion molecule like 1; minus strand). Cytogenetic location: 11q23.3.
Variant type: single nucleotide variant.
Coding change: c.5152G>A on transcript NM_020693.4 (MANE Select); coding-DNA position 5152, G replaced by A.
Protein change: p.Asp1718Asn; replaces aspartic acid 1718 with asparagine.
Molecular consequence: missense variant.
Genome position (GRCh38, 1-based): chr11:117,432,379, C>T on the plus strand (G>A on the coding strand, the complement: DSCAML1 is on the minus strand). VCF-style: chr11-117432379-C-T. GRCh37 (hg19) VCF-style: chr11-117303095-C-T.
Other names: short protein forms D1718N.
Identifiers: ClinVar variation 2256257 (VCV002256257.3), dbSNP rs142406951, ClinGen allele CA229397769.